The following is an entry in ClinVar:

NM_001365951.3(KIF1B):c.1520C>A (p.Ala507Asp)

Gene: KIF1B (kinesin family member 1B; plus strand). Cytogenetic location: 1p36.22.
Variant type: single nucleotide variant.
Coding change: c.1520C>A on transcript NM_001365951.3 (MANE Select); coding-DNA position 1520, C replaced by A.
Protein change: p.Ala507Asp; replaces alanine 507 with aspartic acid.
Molecular consequence: missense variant.
Genome position (GRCh38, 1-based): chr1:10,292,052, C>A. VCF-style: chr1-10292052-C-A. GRCh37 (hg19) VCF-style: chr1-10352110-C-A.
Other names: c.1520C>A, p.Ala507Asp (NM_001365952.1); c.1382C>A, p.Ala461Asp (NM_001365953.1, NM_015074.3, NM_183416.4); short protein forms A461D, A507D.
Identifiers: ClinVar variation 3226353 (VCV003226353.1), dbSNP rs2521357974, ClinGen allele CA338313359.

ClinVar aggregate classification (germline): Uncertain significance (1 of 4 stars; one submission).

Allele frequency attached by ClinVar (database versions not stated): gnomAD exomes below 0.00001.
gnomAD v4.1: 1 of 1,613,766 alleles (0.000062%); highest among the groups gnomAD compares: Non-Finnish European, 0.000085%; no homozygotes.

Submission:

Ambry Genetics
Classification: Uncertain significance. Last evaluated: 2023-09-20. Review status: criteria provided, single submitter. Criteria: Ambry Variant Classification Scheme 2023. Collection method: clinical testing. Allele origin: germline.
Comment: The p.A461D variant (also known as c.1382C>A), located in coding exon 14 of the KIF1B gene, results from a C to A substitution at nucleotide position 1382. The alanine at codon 461 is replaced by aspartic acid, an amino acid with dissimilar properties. This amino acid position is conserved. In addition, the in silico prediction for this alteration is inconclusive. Since supporting evidence is limited at this time, the clinical significance of this alteration remains unclear.